The following is an entry in ClinVar:

ClinVar aggregate classification (germline): Uncertain significance. Review status: criteria provided, multiple submitters, no conflicts (2 of 4 stars). 6 submissions from 6 submitters: Uncertain significance (4). 2 of the submissions do not count toward it. Last evaluated 2026-05-11.

Conditions:
Hypersulfaturia (HYSULF). Identifiers: MedGen C5830511, MONDO:0957268, OMIM 620372.
Nephrolithiasis susceptibility caused by SLC26A1 (CAON1). Also called: NEPHROLITHIASIS, CALCIUM OXALATE, 1. Identifiers: MedGen C5779632, MONDO:0020722, OMIM 167030.
SLC26A1-related disorder. Also called: SLC26A1-related condition.
Hurler syndrome. Also called: Gargoylism, Hurler Syndrome; Severe MPS I (Hurler Syndrome); MUCOPOLYSACCHARIDOSIS TYPE IH. Identifiers: Orphanet 93473, MedGen C0086795, MONDO:0011758, OMIM 607014.

Allele frequency attached by ClinVar (database versions not stated): TOPMed 0.00009; gnomAD 0.00011; gnomAD exomes 0.00011 and 0.00014; ExAC 0.00026.
gnomAD v4.1: 209 of 1,554,208 alleles (0.013%); highest among the groups gnomAD compares: Middle Eastern, 0.05%; 1 homozygote.

Submissions (6):

PreventionGenetics, part of Exact Sciences
Classification: Uncertain significance for SLC26A1-related condition. Last evaluated: 2026-05-11. Review status: criteria provided, single submitter. Criteria: ACMG Guidelines, 2015. Collection method: clinical testing. Allele origin: germline.
Comment: The SLC26A1 c.1448T>A variant is predicted to result in the amino acid substitution p.Leu483Gln. To our knowledge, this variant has not been reported in the literature. This variant is reported in 0.029% of alleles in individuals of European (Non-Finnish) descent in gnomAD. At this time, the clinical significance of this variant is uncertain due to the absence of conclusive functional and genetic evidence.

Blueprint Genetics
Classification: Uncertain significance. Last evaluated: 2024-10-29. Review status: criteria provided, single submitter. Criteria: ACMG Guidelines, 2015. Collection method: clinical testing. Allele origin: germline.

Labcorp Genetics (formerly Invitae), Labcorp
Classification: Uncertain significance. Last evaluated: 2024-08-29. Review status: criteria provided, single submitter. Criteria: Invitae Variant Classification Sherloc (09022015). Collection method: clinical testing. Allele origin: germline.
Comment: This sequence change replaces leucine, which is neutral and non-polar, with glutamine, which is neutral and polar, at codon 483 of the SLC26A1 protein (p.Leu483Gln). This variant is present in population databases (rs387907487, gnomAD 0.03%). This variant has not been reported in the literature in individuals affected with SLC26A1-related conditions. ClinVar contains an entry for this variant (Variation ID: 64580). Invitae Evidence Modeling of protein sequence and biophysical properties (such as structural, functional, and spatial information, amino acid conservation, physicochemical variation, residue mobility, and thermodynamic stability) indicates that this missense variant is expected to disrupt SLC26A1 protein function with a positive predictive value of 80%. In summary, the available evidence is currently insufficient to determine the role of this variant in disease. Therefore, it has been classified as a Variant of Uncertain Significance.

Fulgent Genetics
Classification: Uncertain significance for Nephrolithiasis susceptibility caused by SLC26A1; Hypersulfaturia. Last evaluated: 2024-06-21. Review status: criteria provided, single submitter. Criteria: ACMG Guidelines, 2015. Collection method: clinical testing. Allele origin: germline.

Counsyl
Classification: Likely benign for Hurler syndrome. Last evaluated: 2017-01-27. Review status: no assertion criteria provided. Collection method: clinical testing. Allele origin: unknown. Not counted in ClinVar's aggregate classification.

Martin Pollak Laboratory,  Beth Israel Deaconess Medical Center
Classification: Uncertain significance. Review status: no assertion criteria provided. Collection method: not provided. Allele origin: unknown. Not counted in ClinVar's aggregate classification.
Comment: Lower UCa2+ group
ClinVar note: Converted during submission from unknown to Uncertain significance.

NM_000203.5(IDUA):c.299+1542A>T

Genes: IDUA (alpha-L-iduronidase; plus strand), SLC26A1 (solute carrier family 26 member 1; minus strand). Cytogenetic location: 4p16.3.
Variant type: single nucleotide variant.
Coding change: c.299+1542A>T on transcript NM_000203.5 (MANE Select); 1542 bases into the intron after coding-DNA position 299, A replaced by T.
Molecular consequence: intron variant. On other transcripts: missense variant (2).
Genome position (GRCh38, 1-based): chr4:989,491, A>T. VCF-style: chr4-989491-A-T. GRCh37 (hg19) VCF-style: chr4-983279-A-T.
Other names: c.1448T>A, p.Leu483Gln (NM_022042.4, NM_213613.4); c.576+1637T>A (NM_134425.4); c.1448T>A (NM_022042.3); short protein forms L483Q.
Identifiers: ClinVar variation 64580 (VCV000064580.11), dbSNP rs387907487, ClinGen allele CA216443.